The following is an entry in ClinVar:

NM_001853.4(COL9A3):c.93C>A (p.Pro31=)

Gene: COL9A3 (collagen type IX alpha 3 chain; plus strand). Cytogenetic location: 20q13.33.
Variant type: single nucleotide variant.
Coding change: c.93C>A on transcript NM_001853.4 (MANE Select); coding-DNA position 93, C replaced by A.
Protein change: p.Pro31=; no amino-acid change (proline 31 retained).
Molecular consequence: synonymous variant.
Genome position (GRCh38, 1-based): chr20:62,817,581, C>A. VCF-style: chr20-62817581-C-A. GRCh37 (hg19) VCF-style: chr20-61448933-C-A.
Other names: p.Pro31=; c.93C>A, p.Pro31= (LRG_1253t1).
Identifiers: ClinVar variation 195154 (VCV000195154.34), dbSNP rs2273078, ClinGen allele CA201600.
Genomic context (GRCh38, chr20:62,817,581, plus strand): 5'-GCCCACGGGGGCACCTGCGCTCCTTAATGAGTTTTCTCCGTTTCAGAGAGTGGGACTCCC[C>A]GGCCCCCCCGGCCCCCCAGGGCCGCCCGGGAAGCCCGGCCAGGACGGCATTGACGTGAGT-3'
Protein context (NP_001844.3, residues 21-41): AAAGAQRVGL[Pro31=]GPPGPPGPPG

ClinVar aggregate classification (germline): Benign. Review status: criteria provided, multiple submitters, no conflicts (2 of 4 stars). 10 submissions from 10 submitters: Benign (10). Last evaluated 2026-05-09.

Conditions:
Epiphyseal dysplasia, multiple, 3 (EDM3). Also called: COL9A3-Related Multiple Epiphyseal Dysplasia; Epiphyseal dysplasia, multiple, 3, with or without myopathy. Identifiers: MedGen C1832998, MONDO:0010964, OMIM 600969.

Allele frequency attached by ClinVar (database versions not stated): ESP Exome Variant Server 0.08839; gnomAD 0.11502 and 0.11599; ExAC 0.11901; TOPMed 0.12521; 1000 Genomes Project 0.16054.
gnomAD v4.1: 124,899 of 1,539,566 alleles (8.1%); highest among the groups gnomAD compares: East Asian, 27%; 6,673 homozygotes.

Submissions (10):

Women's Health and Genetics/Laboratory Corporation of America, LabCorp
Classification: Benign. Last evaluated: 2026-05-09. Review status: criteria provided, single submitter. Criteria: LabCorp Variant Classification Summary - May 2015. Collection method: clinical testing. Allele origin: germline.

Labcorp Genetics (formerly Invitae), Labcorp
Classification: Benign. Last evaluated: 2026-02-04. Review status: criteria provided, single submitter. Criteria: Invitae Variant Classification Sherloc (09022015). Collection method: clinical testing. Allele origin: germline.

ARUP Laboratories, Molecular Genetics and Genomics, ARUP Laboratories
Classification: Benign. Last evaluated: 2025-06-02. Review status: criteria provided, single submitter. Criteria: ARUP Molecular Germline Variant Investigation Process 2024. Collection method: clinical testing. Allele origin: germline.

Blueprint Genetics
Classification: Benign. Last evaluated: 2024-11-28. Review status: criteria provided, single submitter. Criteria: ACMG Guidelines, 2015. Collection method: clinical testing. Allele origin: germline.

Mayo Clinic Laboratories, Mayo Clinic
Classification: Benign. Last evaluated: 2022-04-22. Review status: criteria provided, single submitter. Criteria: ACMG Guidelines, 2015. Collection method: clinical testing. Allele origin: germline. Observed: 31 variant alleles.

Genome-Nilou Lab
Classification: Benign for Epiphyseal dysplasia, multiple, 3. Last evaluated: 2021-07-30. Review status: criteria provided, single submitter. Criteria: ACMG Guidelines, 2015. Collection method: clinical testing. Allele origin: germline. Affected: no.

GeneDx
Classification: Benign. Last evaluated: 2017-06-15. Review status: criteria provided, single submitter. Criteria: GeneDx Variant Classification (06012015). Collection method: clinical testing. Allele origin: germline. Affected: yes.
Comment: This variant is considered likely benign or benign based on one or more of the following criteria: it is a conservative change, it occurs at a poorly conserved position in the protein, it is predicted to be benign by multiple in silico algorithms, and/or has population frequency not consistent with disease.

Eurofins Ntd Llc (ga)
Classification: Benign. Last evaluated: 2015-10-30. Review status: criteria provided, single submitter. Criteria: EGL Classification Definitions 2015. Collection method: clinical testing. Allele origin: germline. Observed: 12 variant alleles, 12 heterozygotes.

Breakthrough Genomics
Classification: Benign. Review status: criteria provided, single submitter. Criteria: ACMG Guidelines, 2015. Collection method: not provided. Allele origin: germline. Inheritance: Autosomal recessive inheritance. Affected: yes.

PreventionGenetics, part of Exact Sciences
Classification: Benign. Review status: criteria provided, single submitter. Criteria: ACMG Guidelines, 2015. Collection method: clinical testing. Allele origin: germline.